The following is an entry in ClinVar:

NM_014270.5(SLC7A9):c.977+4G>A

Gene: SLC7A9 (solute carrier family 7 member 9; minus strand). Cytogenetic location: 19q13.11.
Variant type: single nucleotide variant.
Coding change: c.977+4G>A on transcript NM_014270.5 (MANE Select); 4 bases into the intron after coding-DNA position 977, G replaced by A.
Molecular consequence: intron variant.
Genome position (GRCh38, 1-based): chr19:32,858,436, C>T on the plus strand (G>A on the coding strand, the complement: SLC7A9 is on the minus strand). VCF-style: chr19-32858436-C-T. GRCh37 (hg19) VCF-style: chr19-33349342-C-T.
Other names: c.977+4G>A (NM_001126335.2, NM_001243036.2).
Identifiers: ClinVar variation 3718694 (VCV003718694.2).
Genomic context (GRCh38, chr19:32,858,436, plus strand): 5'-CTCGGGGGTGATATTGCTTTCGCCGCCCCTGTCCACCCTGGGAGTGACGGTGGGGGTCCC[C>T]TACCTGCCCGCTGTGAAGCAGGTCCCGTTAGCAGCACCGATGGTTGAAAATGCCACAAAA-3'

ClinVar aggregate classification (germline): Uncertain significance (1 of 4 stars; one submission).

gnomAD v4.1: 3 of 1,609,816 alleles (0.00019%); highest among the groups gnomAD compares: Admixed American, 0.0017%; no homozygotes.

Submission:

Labcorp Genetics (formerly Invitae), Labcorp
Classification: Uncertain significance. Last evaluated: 2025-11-28. Review status: criteria provided, single submitter. Criteria: Invitae Variant Classification Sherloc (09022015). Collection method: clinical testing. Allele origin: germline.
Comment: This sequence change falls in intron 9 of the SLC7A9 gene. It does not directly change the encoded amino acid sequence of the SLC7A9 protein. It affects a nucleotide within the consensus splice site. This variant is present in population databases (rs372904328, gnomAD 0.003%). This variant has not been reported in the literature in individuals affected with SLC7A9-related conditions. ClinVar contains an entry for this variant (Variation ID: 3718694). Variants that disrupt the consensus splice site are a relatively common cause of aberrant splicing (PMID: 17576681, 9536098). Algorithms developed to predict the effect of sequence changes on RNA splicing suggest that this variant is not likely to affect RNA splicing. In summary, the available evidence is currently insufficient to determine the role of this variant in disease. Therefore, it has been classified as a Variant of Uncertain Significance.

Literature cited by the submitters: PubMed 17576681; PubMed 9536098.